The following is an entry in ClinVar:

ClinVar aggregate classification (germline): Uncertain significance (1 of 4 stars; one submission).

Conditions:
Familial cancer of breast. Also called: BREAST CANCER, FAMILIAL; Hereditary breast cancer; hereditary breast carcinoma. Identifiers: Orphanet 227535, MedGen C0346153, MONDO:0016419, OMIM 114480. Disease mechanism: loss of function.

Submission:

Labcorp Genetics (formerly Invitae), Labcorp
Classification: Uncertain significance for Familial cancer of breast. Last evaluated: 2021-07-13. Review status: criteria provided, single submitter. Criteria: Invitae Variant Classification Sherloc (09022015). Collection method: clinical testing. Allele origin: germline.
Comment: This variant is not present in population databases (ExAC no frequency). This variant has not been reported in the literature in individuals affected with CHEK2-related conditions. Algorithms developed to predict the effect of missense changes on protein structure and function output the following: SIFT: "Tolerated"; PolyPhen-2: "Benign"; Align-GVGD: "Class C0". The aspartic acid amino acid residue is found in multiple mammalian species, which suggests that this missense change does not adversely affect protein function. In summary, the available evidence is currently insufficient to determine the role of this variant in disease. Therefore, it has been classified as a Variant of Uncertain Significance. This sequence change replaces glutamic acid with aspartic acid at codon 8 of the CHEK2 protein (p.Glu8Asp). The glutamic acid residue is moderately conserved and there is a small physicochemical difference between glutamic acid and aspartic acid.

NM_007194.4(CHEK2):c.24G>C (p.Glu8Asp)

Gene: CHEK2 (checkpoint kinase 2; minus strand). Cytogenetic location: 22q12.1.
Variant type: single nucleotide variant.
Coding change: c.24G>C on transcript NM_007194.4 (MANE Select); coding-DNA position 24, G replaced by C.
Protein change: p.Glu8Asp; replaces glutamic acid 8 with aspartic acid.
Molecular consequence: missense variant.
Genome position (GRCh38, 1-based): chr22:28,734,698, C>G on the plus strand (G>C on the coding strand, the complement: CHEK2 is on the minus strand). VCF-style: chr22-28734698-C-G. GRCh37 (hg19) VCF-style: chr22-29130686-C-G.
Other names: c.24G>C, p.Glu8Asp (NM_001005735.3, NM_001349956.3, NM_145862.3); c.-754G>C (NM_001257387.3); short protein forms E8D.
Identifiers: ClinVar variation 1448704 (VCV001448704.9), dbSNP rs780920036, ClinGen allele CA411092035.